The following is an entry in ClinVar:

NM_001034853.2(RPGR):c.1749A>G (p.Glu583=)

Gene: RPGR (retinitis pigmentosa GTPase regulator; minus strand). Cytogenetic location: Xp11.4.
Variant type: single nucleotide variant.
Coding change: c.1749A>G on transcript NM_001034853.2 (MANE Select); coding-DNA position 1749, A replaced by G.
Protein change: p.Glu583=; no amino-acid change (glutamic acid 583 retained).
Molecular consequence: synonymous variant. On other transcripts: non-coding transcript variant (1), intron variant (5).
Genome position (GRCh38, 1-based): chrX:38,287,865, T>C on the plus strand (A>G on the coding strand, the complement: RPGR is on the minus strand). VCF-style: chrX-38287865-T-C. GRCh37 (hg19) VCF-style: chrX-38147118-T-C.
Other names: c.1749A>G, p.Glu583= (NM_000328.3); c.1746A>G, p.Glu582= (NM_001367245.1); c.1563A>G, p.Glu521= (NM_001367246.1); c.1569+3094A>G (NM_001367249.1, NM_001367250.1); c.1386+3094A>G (NM_001367251.1); c.1572+3094A>G (NM_001367247.1); c.1602+3094A>G (NM_001367248.1).
Identifiers: ClinVar variation 406538 (VCV000406538.11), dbSNP rs1060501179, ClinGen allele CA16616515.

ClinVar aggregate classification (germline): Uncertain significance. Review status: criteria provided, multiple submitters, no conflicts (2 of 4 stars). 2 submissions from 2 submitters: Uncertain significance (2). Last evaluated 2022-11-28.

Conditions:
Primary ciliary dyskinesia. Also called: Ciliary dyskinesia. Identifiers: Orphanet 244, MedGen C0008780, MONDO:0016575, HP:0012265.

Submissions (4):

Labcorp Genetics (formerly Invitae), Labcorp
Classification: Uncertain significance for Primary ciliary dyskinesia. Last evaluated: 2022-11-28. Review status: criteria provided, single submitter. Criteria: Invitae Variant Classification Sherloc (09022015). Collection method: clinical testing. Allele origin: germline.
Comment: This sequence change affects codon 583 of the RPGR mRNA. It is a 'silent' change, meaning that it does not change the encoded amino acid sequence of the RPGR protein. This variant is not present in population databases (gnomAD no frequency). This variant has not been reported in the literature in individuals affected with RPGR-related conditions. ClinVar contains an entry for this variant (Variation ID: 406538). Algorithms developed to predict the effect of sequence changes on RNA splicing suggest that this variant may disrupt the consensus splice site. In summary, the available evidence is currently insufficient to determine the role of this variant in disease. Therefore, it has been classified as a Variant of Uncertain Significance.

Blueprint Genetics
Classification: Uncertain significance. Last evaluated: 2020-07-31. Review status: criteria provided, single submitter. Criteria: ACMG Guidelines, 2015. Collection method: clinical testing. Allele origin: germline.

Dr. Peter K. Rogan Lab, Western University
No classification provided (evidence only). Condition: Nonpapillary renal cell carcinoma. Review status: no classification provided. Collection method: in vitro. Allele origin: not applicable. Functional consequence: skipped exon. Not counted in ClinVar's aggregate classification.

Dr. Peter K. Rogan Lab, Western University
No classification provided (evidence only). Condition: Nonpapillary renal cell carcinoma. Review status: no classification provided. Collection method: in vitro. Allele origin: not applicable. Functional consequence: retained intron. Not counted in ClinVar's aggregate classification.